The following is an entry in ClinVar:

ClinVar aggregate classification (germline): Uncertain significance. Review status: criteria provided, multiple submitters, no conflicts (2 of 4 stars). 2 submissions from 2 submitters: Uncertain significance (2). Last evaluated 2024-12-20.

Conditions:
Inborn genetic diseases. Identifiers: MedGen C0950123, MeSH D030342.

Allele frequency attached by ClinVar (database versions not stated): TOPMed below 0.00001; ExAC 0.00001; gnomAD exomes 0.00001.

Submissions (2):

Ambry Genetics
Classification: Uncertain significance for Inborn genetic diseases. Last evaluated: 2024-12-20. Review status: criteria provided, single submitter. Criteria: Ambry Variant Classification Scheme 2023. Collection method: clinical testing. Allele origin: germline.
Comment: The p.K300R variant (also known as c.899A>G), located in coding exon 7 of the KDM1A gene, results from an A to G substitution at nucleotide position 899. The lysine at codon 300 is replaced by arginine, an amino acid with highly similar properties. This amino acid position is conserved. In addition, this alteration is predicted to be tolerated by in silico analysis. Based on the available evidence, the clinical significance of this variant remains unclear.

Labcorp Genetics (formerly Invitae), Labcorp
Classification: Uncertain significance. Last evaluated: 2022-11-08. Review status: criteria provided, single submitter. Criteria: Invitae Variant Classification Sherloc (09022015). Collection method: clinical testing. Allele origin: germline.
Comment: In summary, the available evidence is currently insufficient to determine the role of this variant in disease. Therefore, it has been classified as a Variant of Uncertain Significance. Advanced modeling of protein sequence and biophysical properties (such as structural, functional, and spatial information, amino acid conservation, physicochemical variation, residue mobility, and thermodynamic stability) performed at Invitae indicates that this missense variant is not expected to disrupt KDM1A protein function. This variant has not been reported in the literature in individuals affected with KDM1A-related conditions. The frequency data for this variant in the population databases is considered unreliable, as metrics indicate poor data quality at this position in the gnomAD database. This sequence change replaces lysine, which is basic and polar, with arginine, which is basic and polar, at codon 300 of the KDM1A protein (p.Lys300Arg).

NM_001009999.3(KDM1A):c.899A>G (p.Lys300Arg)

Gene: KDM1A (lysine demethylase 1A; plus strand). Cytogenetic location: 1p36.12.
Variant type: single nucleotide variant.
Coding change: c.899A>G on transcript NM_001009999.3 (MANE Select); coding-DNA position 899, A replaced by G.
Protein change: p.Lys300Arg; replaces lysine 300 with arginine.
Molecular consequence: missense variant.
Genome position (GRCh38, 1-based): chr1:23,055,947, A>G. VCF-style: chr1-23055947-A-G. GRCh37 (hg19) VCF-style: chr1-23382440-A-G.
Other names: c.899A>G (NM_001009999.2); c.839A>G, p.Lys280Arg (NM_001363654.2, NM_001410763.1, NM_015013.4); c.899A>G, p.Lys300Arg (NM_001410762.1); short protein forms K300R, K280R.
Identifiers: ClinVar variation 2792090 (VCV002792090.4), dbSNP rs762121550, ClinGen allele CA679592.
Genomic context (GRCh38, chr1:23,055,947, plus strand): 5'-TTTTATACCTAAAACAAAATCTTTTTTTTCATTTTTTGCTTTTAGCTAAAAAGACAGGAA[A>G]GGTAATTATTATAGGCTCTGGGGTCTCAGGCTTGGCAGCAGCTCGACAGTTACAAAGTTT-3'
Protein context (NP_001009999.1, residues 290-310): IKPLPTKKTG[Lys300Arg]VIIIGSGVSG